The following is an entry in ClinVar:

ClinVar aggregate classification (germline): Uncertain significance (1 of 4 stars; one submission).

Allele frequency attached by ClinVar (database versions not stated): ESP Exome Variant Server 0.00017.
gnomAD v4.1: 181 of 1,598,454 alleles (0.011%); highest among the groups gnomAD compares: Non-Finnish European, 0.015%; no homozygotes.

Submission:

Labcorp Genetics (formerly Invitae), Labcorp
Classification: Uncertain significance. Last evaluated: 2022-03-18. Review status: criteria provided, single submitter. Criteria: Invitae Variant Classification Sherloc (09022015). Collection method: clinical testing. Allele origin: germline.
Comment: This sequence change replaces serine, which is neutral and polar, with phenylalanine, which is neutral and non-polar, at codon 781 of the MAP3K20 protein (p.Ser781Phe). This variant is present in population databases (rs202237846, gnomAD 0.008%). This variant has not been reported in the literature in individuals affected with MAP3K20-related conditions. Experimental studies and prediction algorithms are not available or were not evaluated, and the functional significance of this variant is currently unknown. In summary, the available evidence is currently insufficient to determine the role of this variant in disease. Therefore, it has been classified as a Variant of Uncertain Significance.

NM_016653.3(MAP3K20):c.2342C>T (p.Ser781Phe)

Genes: MAP3K20 (mitogen-activated protein kinase kinase kinase 20; plus strand), MAP3K20-AS1 (MAP3K20 antisense RNA 1; minus strand). Cytogenetic location: 2q31.1.
Variant type: single nucleotide variant.
Coding change: c.2342C>T on transcript NM_016653.3 (MANE Select); coding-DNA position 2342, C replaced by T.
Protein change: p.Ser781Phe; replaces serine 781 with phenylalanine.
Molecular consequence: missense variant.
Genome position (GRCh38, 1-based): chr2:173,266,689, C>T. VCF-style: chr2-173266689-C-T. GRCh37 (hg19) VCF-style: chr2-174131417-C-T.
Other names: short protein forms S781F.
Identifiers: ClinVar variation 1507203 (VCV001507203.3), dbSNP rs202237846, ClinGen allele CA1971081.
Genomic context (GRCh38, chr2:173,266,689, plus strand): 5'-GCAAAGTCAGCGAAGGGGGCTGGACAAAAGTGGAATACCGGAAAAAGCCCCACAGGCCAT[C>T]TCCCGCCAAAACCAATAAAGAGAGAGCCAGAGGGGACCACCGTGGATGGAGAAACTTTTG-3'
Protein context (NP_057737.2, residues 771-791): VEYRKKPHRP[Ser781Phe]PAKTNKERAR